The following is an entry in ClinVar:

ClinVar aggregate classification (germline): Uncertain significance (1 of 4 stars; one submission).

Conditions:
Surfactant metabolism dysfunction, pulmonary, 4 (SMDP4). Also called: PAP DUE TO CSF2RA DEFICIENCY; PULMONARY ALVEOLAR PROTEINOSIS, CONGENITAL, 4; CSF2RA DEFICIENCY. Identifiers: Orphanet 264675, MedGen C2677877, MONDO:0010424, OMIM 300770.

Allele frequency attached by ClinVar (database versions not stated): ExAC 0.00001; gnomAD 0.00001 and 0.00003; gnomAD exomes 0.00001; TOPMed 0.00002; 1000 Genomes Project 30x 0.00021; 1000 Genomes Project 0.00026.
gnomAD v4.1: 19 of 1,613,794 alleles (0.0012%); highest among the groups gnomAD compares: Middle Eastern, 0.017%; no homozygotes.

Submission:

Labcorp Genetics (formerly Invitae), Labcorp
Classification: Uncertain significance for Surfactant metabolism dysfunction, pulmonary, 4. Last evaluated: 2019-08-05. Review status: criteria provided, single submitter. Criteria: Invitae Variant Classification Sherloc (09022015). Collection method: clinical testing. Allele origin: germline.
Comment: This sequence change replaces valine with methionine at codon 70 of the CSF2RA protein (p.Val70Met). The valine residue is weakly conserved and there is a small physicochemical difference between valine and methionine. This variant is present in population databases (rs747486085, ExAC 0.009%). This variant has not been reported in the literature in individuals with CSF2RA-related conditions. Algorithms developed to predict the effect of missense changes on protein structure and function are either unavailable or do not agree on the potential impact of this missense change (SIFT: "Tolerated"; PolyPhen-2: "Possibly Damaging"; Align-GVGD: "Class C0"). In summary, the available evidence is currently insufficient to determine the role of this variant in disease. Therefore, it has been classified as a Variant of Uncertain Significance.

NM_172245.4(CSF2RA):c.208G>A (p.Val70Met)

Gene: CSF2RA (colony stimulating factor 2 receptor subunit alpha; plus strand). Cytogenetic location: Xp22.33.
Variant type: single nucleotide variant.
Coding change: c.208G>A on transcript NM_172245.4 (MANE Select); coding-DNA position 208, G replaced by A.
Protein change: p.Val70Met; replaces valine 70 with methionine.
Molecular consequence: missense variant. On other transcripts: non-coding transcript variant (1), intron variant (1).
Genome position (GRCh38, 1-based): chrX:1,285,909, G>A. VCF-style: chrX-1285909-G-A. GRCh37 (hg19) VCF-style: chrX-1404802-G-A.
Other names: c.208G>A, p.Val70Met (NM_001161529.2, NM_001161530.2, NM_001161531.2 and 20 more transcripts); c.-180-2610G>A (NM_001161532.2); short protein forms V70M.
Identifiers: ClinVar variation 958885 (VCV000958885.1), dbSNP rs747486085, ClinGen allele CA10330690.